The following is an entry in ClinVar:

NM_005076.5(CNTN2):c.2576C>T (p.Ala859Val)

Gene: CNTN2 (contactin 2; plus strand). Cytogenetic location: 1q32.1.
Variant type: single nucleotide variant.
Coding change: c.2576C>T on transcript NM_005076.5 (MANE Select); coding-DNA position 2576, C replaced by T.
Protein change: p.Ala859Val; replaces alanine 859 with valine.
Molecular consequence: missense variant. On other transcripts: non-coding transcript variant (1).
Genome position (GRCh38, 1-based): chr1:205,071,978, C>T. VCF-style: chr1-205071978-C-T. GRCh37 (hg19) VCF-style: chr1-205041106-C-T.
Other names: c.2576C>T, p.Ala859Val (NM_001346083.2); short protein forms A859V.
Identifiers: ClinVar variation 4749996 (VCV004749996.1).
Genomic context (GRCh38, chr1:205,071,978, plus strand): 5'-TACCCCTTGGGTACCCCCGCCTCCTTCAGATCCGCTACTGGAAAGCTGGGGACAAAGAAG[C>T]AGCTGCGGACCGAGTGAGGACAGCAGGGCTGGACACCAGTGCCCGAGTCAGCGGCCTGCA-3'
Protein context (NP_005067.1, residues 849-869): IRYWKAGDKE[Ala859Val]AADRVRTAGL

ClinVar aggregate classification (germline): Uncertain significance (1 of 4 stars; one submission).

Conditions:
Epilepsy, familial adult myoclonic, 5 (EPEO5). Also called: CORTICAL MYOCLONIC TREMOR WITH EPILEPSY, FAMILIAL, 5. Identifiers: Orphanet 86814, MedGen C3809374, MONDO:0014167, OMIM 615400.

Submission:

Labcorp Genetics (formerly Invitae), Labcorp
Classification: Uncertain significance for Epilepsy, familial adult myoclonic, 5. Last evaluated: 2025-12-01. Review status: criteria provided, single submitter. Criteria: Invitae Variant Classification Sherloc (09022015). Collection method: clinical testing. Allele origin: germline.
Comment: This sequence change replaces alanine, which is neutral and non-polar, with valine, which is neutral and non-polar, at codon 859 of the CNTN2 protein (p.Ala859Val). This variant is present in population databases (rs373027222, gnomAD 0.008%). This variant has not been reported in the literature in individuals affected with CNTN2-related conditions. Invitae Evidence Modeling of protein sequence and biophysical properties (such as structural, functional, and spatial information, amino acid conservation, physicochemical variation, residue mobility, and thermodynamic stability) indicates that this missense variant is not expected to disrupt CNTN2 protein function with a negative predictive value of 95%. In summary, the available evidence is currently insufficient to determine the role of this variant in disease. Therefore, it has been classified as a Variant of Uncertain Significance.